The following is an entry in ClinVar:

NM_001387283.1(SMARCA4):c.4181G>C (p.Gly1394Ala)

Gene: SMARCA4 (SWI/SNF related BAF chromatin remodeling complex subunit ATPase 4; plus strand). Cytogenetic location: 19p13.2.
Variant type: single nucleotide variant.
Coding change: c.4181G>C on transcript NM_001387283.1 (MANE Plus Clinical); coding-DNA position 4181, G replaced by C.
Protein change: p.Gly1394Ala; replaces glycine 1394 with alanine.
Molecular consequence: missense variant. On other transcripts: intron variant (7).
Genome position (GRCh38, 1-based): chr19:11,039,468, G>C. VCF-style: chr19-11039468-G-C. GRCh37 (hg19) VCF-style: chr19-11150144-G-C.
Other names: c.4181G>C, p.Gly1394Ala (NM_001128849.3); c.4082G>C, p.Gly1361Ala (NM_001411150.1); c.4171-1839G>C (NM_001128844.3, NM_003072.5); c.4072-1839G>C (NM_001128847.4, NM_001374457.1, NM_001128848.2); c.4072-1830G>C (NM_001128845.2, NM_001128846.2); short protein forms G1394A, G1361A.
Identifiers: ClinVar variation 3320680 (VCV003320680.1).

ClinVar aggregate classification (germline): Uncertain significance (1 of 4 stars; one submission).

Conditions:
Hereditary cancer-predisposing syndrome. Also called: Neoplastic Syndromes, Hereditary; Tumor predisposition; Hereditary neoplastic syndrome; Hereditary Cancer Syndrome. Identifiers: Orphanet 140162, MedGen C0027672, MeSH D009386, MONDO:0015356.

Submission:

Ambry Genetics
Classification: Uncertain significance for Hereditary cancer-predisposing syndrome. Last evaluated: 2024-06-05. Review status: criteria provided, single submitter. Criteria: Ambry Variant Classification Scheme 2023. Collection method: clinical testing. Allele origin: germline.
Comment: The p.G1394A variant (also known as c.4181G>C), located in coding exon 29 of the SMARCA4 gene, results from a G to C substitution at nucleotide position 4181. The glycine at codon 1394 is replaced by alanine, an amino acid with similar properties. This amino acid position is conserved. In addition, this alteration is predicted to be tolerated by in silico analysis. Based on the available evidence, the clinical significance of this variant remains unclear.